The following is an entry in ClinVar:

NM_002016.2(FLG):c.6753A>G (p.Gly2251=)

Genes: CCDST (cervical cancer associated DHX9 suppressive transcript; plus strand), FLG (filaggrin; minus strand). Cytogenetic location: 1q21.3.
Variant type: single nucleotide variant.
Coding change: c.6753A>G on transcript NM_002016.2 (MANE Select); coding-DNA position 6753, A replaced by G.
Protein change: p.Gly2251=; no amino-acid change (glycine 2251 retained).
Molecular consequence: synonymous variant.
Genome position (GRCh38, 1-based): chr1:152,308,133, T>C on the plus strand (A>G on the coding strand, the complement: FLG is on the minus strand). VCF-style: chr1-152308133-T-C. GRCh37 (hg19) VCF-style: chr1-152280609-T-C.
Identifiers: ClinVar variation 4821513 (VCV004821513.5).

ClinVar aggregate classification (germline): Likely benign. Review status: criteria provided, multiple submitters, no conflicts (2 of 4 stars). 2 submissions from 2 submitters: Likely benign (2). Last evaluated 2026-03-01.

gnomAD v4.1: 45 of 1,613,946 alleles (0.0028%); highest among the groups gnomAD compares: Middle Eastern, 0.033%; no homozygotes.

Submissions (2):

CeGaT Center for Human Genetics Tuebingen
Classification: Likely benign. Last evaluated: 2026-03-01. Review status: criteria provided, single submitter. Criteria: CeGaT Center For Human Genetics Tuebingen Variant Classification Criteria Version 2. Collection method: clinical testing. Allele origin: germline. Affected: yes. Observed: 1 variant allele.
Comment: FLG: BP4, BP7

Blueprint Genetics
Classification: Likely benign. Last evaluated: 2024-09-06. Review status: criteria provided, single submitter. Criteria: ACMG Guidelines, 2015. Collection method: clinical testing. Allele origin: germline.